The following is an entry in ClinVar:

ClinVar aggregate classification (germline): Likely benign. Review status: criteria provided, multiple submitters, no conflicts (2 of 4 stars). 2 submissions from 2 submitters: Likely benign (2). Last evaluated 2026-01-27.

Conditions:
Catecholaminergic polymorphic ventricular tachycardia 1. Also called: VENTRICULAR TACHYCARDIA, CATECHOLAMINERGIC POLYMORPHIC, 1, WITH OR WITHOUT ATRIAL DYSFUNCTION AND/OR DILATED CARDIOMYOPATHY; RYR2-Related Catecholaminergic Polymorphic Ventricular Tachycardia; VENTRICULAR TACHYCARDIA, STRESS-INDUCED POLYMORPHIC 1. Identifiers: Orphanet 3286, MedGen C1631597, MONDO:0011484, OMIM 604772.

Allele frequency attached by ClinVar (database versions not stated): gnomAD 0.00007 and 0.00011; ExAC 0.00013; ESP Exome Variant Server 0.00017; 1000 Genomes Project 0.00040.

Submissions (2):

Labcorp Genetics (formerly Invitae), Labcorp
Classification: Likely benign for Catecholaminergic polymorphic ventricular tachycardia 1. Last evaluated: 2026-01-27. Review status: criteria provided, single submitter. Criteria: Invitae Variant Classification Sherloc (09022015). Collection method: clinical testing. Allele origin: germline.

GeneDx
Classification: Likely benign. Last evaluated: 2017-06-19. Review status: criteria provided, single submitter. Criteria: GeneDx Variant Classification (06012015). Collection method: clinical testing. Allele origin: germline. Affected: yes.
Comment: This variant is considered likely benign or benign based on one or more of the following criteria: it is a conservative change, it occurs at a poorly conserved position in the protein, it is predicted to be benign by multiple in silico algorithms, and/or has population frequency not consistent with disease.

NM_006073.4(TRDN):c.1831+12C>A

Gene: TRDN (triadin; minus strand). Cytogenetic location: 6q22.31.
Variant type: single nucleotide variant.
Coding change: c.1831+12C>A on transcript NM_006073.4 (MANE Select); 12 bases into the intron after coding-DNA position 1831, C replaced by A.
Molecular consequence: intron variant.
Genome position (GRCh38, 1-based): chr6:123,260,600, G>T on the plus strand (C>A on the coding strand, the complement: TRDN is on the minus strand). VCF-style: chr6-123260600-G-T. GRCh37 (hg19) VCF-style: chr6-123581745-G-T.
Identifiers: ClinVar variation 506472 (VCV000506472.10), dbSNP rs368167703, ClinGen allele CA3983723.